The following is an entry in ClinVar:

ClinVar aggregate classification (germline): Uncertain significance (1 of 4 stars; one submission).

gnomAD v4.1: 3 of 1,614,200 alleles (0.00019%); highest among the groups gnomAD compares: Non-Finnish European, 0.00025%; no homozygotes.

Submission:

Labcorp Genetics (formerly Invitae), Labcorp
Classification: Uncertain significance. Last evaluated: 2022-09-06. Review status: criteria provided, single submitter. Criteria: Invitae Variant Classification Sherloc (09022015). Collection method: clinical testing. Allele origin: germline.
Comment: This sequence change replaces aspartic acid, which is acidic and polar, with glutamic acid, which is acidic and polar, at codon 188 of the CRAT protein (p.Asp188Glu). This variant is not present in population databases (gnomAD no frequency). In summary, the available evidence is currently insufficient to determine the role of this variant in disease. Therefore, it has been classified as a Variant of Uncertain Significance. Algorithms developed to predict the effect of missense changes on protein structure and function are either unavailable or do not agree on the potential impact of this missense change (SIFT: "Deleterious"; PolyPhen-2: "Probably Damaging"; Align-GVGD: "Class C0"). This variant has not been reported in the literature in individuals affected with CRAT-related conditions.

NM_000755.5(CRAT):c.564C>A (p.Asp188Glu)

Gene: CRAT (carnitine O-acetyltransferase; minus strand). Cytogenetic location: 9q34.11.
Variant type: single nucleotide variant.
Coding change: c.564C>A on transcript NM_000755.5 (MANE Select); coding-DNA position 564, C replaced by A.
Protein change: p.Asp188Glu; replaces aspartic acid 188 with glutamic acid.
Molecular consequence: missense variant.
Genome position (GRCh38, 1-based): chr9:129,102,466, G>T on the plus strand (C>A on the coding strand, the complement: CRAT is on the minus strand). VCF-style: chr9-129102466-G-T. GRCh37 (hg19) VCF-style: chr9-131864745-G-T.
Other names: c.501C>A, p.Asp167Glu (NM_001257363.3, NM_001346548.2, NM_004003.4); c.567C>A, p.Asp189Glu (NM_001346546.2); c.564C>A, p.Asp188Glu (NM_001346547.2); c.444C>A, p.Asp148Glu (NM_001346549.2); short protein forms D148E, D167E, D188E, D189E.
Identifiers: ClinVar variation 1717759 (VCV001717759.5), dbSNP rs1847740014, ClinGen allele CA375099447.